The following is an entry in ClinVar:

ClinVar aggregate classification (germline): Uncertain significance (1 of 4 stars; one submission).

Submission:

GeneDx
Classification: Uncertain significance. Last evaluated: 2024-12-10. Review status: criteria provided, single submitter. Criteria: GeneDx Variant Classification Process June 2021. Collection method: clinical testing. Allele origin: germline. Affected: yes.
Comment: Not observed at significant frequency in large population cohorts (gnomAD); In silico analysis supports that this missense variant has a deleterious effect on protein structure/function; Has not been previously published as pathogenic or benign to our knowledge

NM_000218.3(KCNQ1):c.733G>C (p.Gly245Arg)

Gene: KCNQ1 (potassium voltage-gated channel subfamily Q member 1; plus strand). Cytogenetic location: 11p15.5.
Variant type: single nucleotide variant.
Coding change: c.733G>C on transcript NM_000218.3 (MANE Select); coding-DNA position 733, G replaced by C.
Protein change: p.Gly245Arg; replaces glycine 245 with arginine.
Molecular consequence: missense variant. On other transcripts: intron variant (1).
Genome position (GRCh38, 1-based): chr11:2,572,062, G>C. VCF-style: chr11-2572062-G-C. GRCh37 (hg19) VCF-style: chr11-2593292-G-C.
Other names: c.733G>C, p.Gly245Arg (NM_001406836.1); c.463G>C, p.Gly155Arg (NM_001406837.1); c.352G>C, p.Gly118Arg (NM_181798.2); c.478-11373G>C (NM_001406838.1); short protein forms G118R, G155R, G245R.
Identifiers: ClinVar variation 3903171 (VCV003903171.1).